The following is an entry in ClinVar:

NM_004329.3(BMPR1A):c.1204G>A (p.Val402Met)

Gene: BMPR1A (bone morphogenetic protein receptor type 1A; plus strand). Cytogenetic location: 10q23.2.
Variant type: single nucleotide variant.
Coding change: c.1204G>A on transcript NM_004329.3 (MANE Select); coding-DNA position 1204, G replaced by A.
Protein change: p.Val402Met; replaces valine 402 with methionine.
Molecular consequence: missense variant.
Genome position (GRCh38, 1-based): chr10:86,921,557, G>A. VCF-style: chr10-86921557-G-A. GRCh37 (hg19) VCF-style: chr10-88681314-G-A.
Other names: short protein forms V402M.
Identifiers: ClinVar variation 918339 (VCV000918339.15), dbSNP rs1462602717, ClinGen allele CA377461940.

ClinVar aggregate classification (germline): Uncertain significance. Review status: criteria provided, multiple submitters, no conflicts (2 of 4 stars). 3 submissions from 3 submitters: Uncertain significance (3). Last evaluated 2025-09-17.

Conditions:
Juvenile polyposis syndrome (JPS). Identifiers: Orphanet 2929, MedGen C0345893, MONDO:0017380, OMIM 174900.
Hereditary cancer-predisposing syndrome. Also called: Hereditary Cancer Syndrome; Hereditary neoplastic syndrome; Neoplastic Syndromes, Hereditary; Tumor predisposition. Identifiers: Orphanet 140162, MedGen C0027672, MeSH D009386, MONDO:0015356.
Polyposis syndrome, hereditary mixed, 2. Identifiers: Orphanet 157794, MedGen C1864730, MONDO:0012405, OMIM 610069.

Allele frequency attached by ClinVar (database versions not stated): gnomAD exomes below 0.00001 and 0.00001.
gnomAD v4.1: 6 of 1,614,032 alleles (0.00037%); highest among the groups gnomAD compares: East Asian, 0.0022%; no homozygotes.

Submissions (3):

Labcorp Genetics (formerly Invitae), Labcorp
Classification: Uncertain significance for Juvenile polyposis syndrome. Last evaluated: 2025-09-17. Review status: criteria provided, single submitter. Criteria: Invitae Variant Classification Sherloc (09022015). Collection method: clinical testing. Allele origin: germline.
Comment: This sequence change replaces valine, which is neutral and non-polar, with methionine, which is neutral and non-polar, at codon 402 of the BMPR1A protein (p.Val402Met). This variant is present in population databases (no rsID available, gnomAD 0.0009%). This variant has not been reported in the literature in individuals affected with BMPR1A-related conditions. ClinVar contains an entry for this variant (Variation ID: 918339). Invitae Evidence Modeling of protein sequence and biophysical properties (such as structural, functional, and spatial information, amino acid conservation, physicochemical variation, residue mobility, and thermodynamic stability) indicates that this missense variant is not expected to disrupt BMPR1A protein function with a negative predictive value of 80%. In summary, the available evidence is currently insufficient to determine the role of this variant in disease. Therefore, it has been classified as a Variant of Uncertain Significance.

Baylor Genetics
Classification: Uncertain significance for Polyposis syndrome, hereditary mixed, 2. Last evaluated: 2024-02-16. Review status: criteria provided, single submitter. Criteria: ACMG Guidelines, 2015. Collection method: clinical testing. Allele origin: unknown.

Color Diagnostics, LLC DBA Color Health
Classification: Uncertain significance for Hereditary cancer-predisposing syndrome. Last evaluated: 2023-12-05. Review status: criteria provided, single submitter. Criteria: ACMG Guidelines, 2015. Collection method: clinical testing. Allele origin: germline.
Comment: This missense variant replaces valine with methionine at codon 402 of the BMPR1A protein. Computational prediction tools and conservation analyses are inconclusive regarding the impact of this variant on the protein function. Computational splicing tools suggest that this variant may not impact RNA splicing. To our knowledge, functional assays have not been performed for this variant nor has this variant been reported in individuals affected with hereditary cancer in the literature. This variant has been identified in 2/251438 chromosomes in the general population by the Genome Aggregation Database (gnomAD). Available evidence is insufficient to determine the role of this variant in disease conclusively. Therefore, this variant is classified as a Variant of Uncertain Significance.